The following is an entry in ClinVar:

NM_022048.5(CSNK1G1):c.932dup (p.Thr312fs)

Gene: CSNK1G1 (casein kinase 1 gamma 1; minus strand). Cytogenetic location: 15q22.31.
Variant type: Duplication.
Coding change: c.932dup on transcript NM_022048.5 (MANE Select); coding-DNA position 932, one base duplicated (T; older notation c.932dupT).
Protein change: p.Thr312fs; shifts the reading frame from threonine 312.
Molecular consequence: frameshift variant.
Genome position (GRCh38, 1-based): chr15:64,204,508, A duplicated on the plus strand (T on the coding strand, the reverse complement: CSNK1G1 is on the minus strand); the first of 2 consecutive A bases (chr15:64,204,508-64,204,509); duplicating either gives the same sequence. VCF-style (leftmost placement, unchanged base first): chr15-64204507-G-GA. GRCh37 (hg19) VCF-style: chr15-64496706-G-GA.
Other names: c.932dup, p.Thr312fs (NM_001329605.2, NM_001329606.2, NM_001329607.2); short protein forms T312fs.
Identifiers: ClinVar variation 3776245 (VCV003776245.1).
Genomic context (GRCh38, chr15:64,204,507, plus strand): 5'-TCTCCCAACCCAATCATAGGCATAGTCAAAGGTGTAGCCTTTCTTTTCAAAGAGGTCTGT[G>GA]AAGAGGGTCCGTAAATACTCATAATCAGGTTTTTCAAAGAAGTCCAGTCGCCTGACATAT-3'

ClinVar aggregate classification (germline): Likely pathogenic (1 of 4 stars; one submission).

Conditions:
CSNK1G1-related developmental disorder with autism spectrum disorder.

Submission:

3billion
Classification: Likely pathogenic for CSNK1G1-related developmental disorder with autism spectrum disorder. Last evaluated: 2023-06-04. Review status: criteria provided, single submitter. Criteria: ACMG Guidelines, 2015. Collection method: clinical testing. Allele origin: germline. Affected: yes.
Comment: The variant is not observed in the gnomAD v2.1.1 dataset. Predicted Consequence/Location: Frameshift: predicted to result in a loss or disruption of normal protein function through nonsense-mediated decay (NMD) or protein truncation. Therefore, this variant is classified as VUS according to the recommendation of ACMG/AMP guideline.